The following is an entry in ClinVar:

ClinVar aggregate classification (germline): Uncertain significance. Review status: criteria provided, multiple submitters, no conflicts (2 of 4 stars). 3 submissions from 3 submitters: Uncertain significance (3). Last evaluated 2024-10-16.

Conditions:
Joubert syndrome 17 (JBTS17). Identifiers: Orphanet 475, MedGen C3553264, MONDO:0013824, OMIM 614615.
Orofaciodigital syndrome type 6 (OFD6). Also called: OROFACIODIGITAL SYNDROME VI; OFDS VI; POLYDACTYLY, CLEFT LIP/PALATE OR LINGUAL LUMP, AND PSYCHOMOTOR RETARDATION; VARADI SYNDROME; VARADI-PAPP SYNDROME; Oral-facial-digital syndrome type 6. Identifiers: Orphanet 2754, MedGen C2745997, MONDO:0010176, OMIM 277170.

Allele frequency attached by ClinVar (database versions not stated): gnomAD exomes below 0.00001 and 0.00002; ExAC 0.00002.
gnomAD v4.1: 6 of 1,612,816 alleles (0.00037%); highest among the groups gnomAD compares: Admixed American, 0.01%; no homozygotes.

Submissions (3):

Labcorp Genetics (formerly Invitae), Labcorp
Classification: Uncertain significance. Last evaluated: 2024-10-16. Review status: criteria provided, single submitter. Criteria: Invitae Variant Classification Sherloc (09022015). Collection method: clinical testing. Allele origin: germline.
Comment: This sequence change replaces threonine, which is neutral and polar, with asparagine, which is neutral and polar, at codon 2760 of the CPLANE1 protein (p.Thr2760Asn). This variant is present in population databases (rs752852852, gnomAD 0.01%). This variant has not been reported in the literature in individuals affected with CPLANE1-related conditions. ClinVar contains an entry for this variant (Variation ID: 573302). Invitae Evidence Modeling of protein sequence and biophysical properties (such as structural, functional, and spatial information, amino acid conservation, physicochemical variation, residue mobility, and thermodynamic stability) indicates that this missense variant is not expected to disrupt CPLANE1 protein function with a negative predictive value of 95%. In summary, the available evidence is currently insufficient to determine the role of this variant in disease. Therefore, it has been classified as a Variant of Uncertain Significance.

Fulgent Genetics
Classification: Uncertain significance for Orofaciodigital syndrome type 6; Joubert syndrome 17. Last evaluated: 2024-04-18. Review status: criteria provided, single submitter. Criteria: ACMG Guidelines, 2015. Collection method: clinical testing. Allele origin: germline.

Breakthrough Genomics
Classification: Uncertain significance. Review status: criteria provided, single submitter. Criteria: ACMG Guidelines, 2015. Collection method: not provided. Allele origin: germline. Inheritance: Autosomal recessive inheritance. Affected: yes.

NM_001384732.1(CPLANE1):c.8441C>A (p.Thr2814Asn)

Gene: CPLANE1 (ciliogenesis and planar polarity effector complex subunit 1; minus strand). Cytogenetic location: 5p13.2.
Variant type: single nucleotide variant.
Coding change: c.8441C>A on transcript NM_001384732.1 (MANE Select); coding-DNA position 8441, C replaced by A.
Protein change: p.Thr2814Asn; replaces threonine 2814 with asparagine.
Molecular consequence: missense variant.
Genome position (GRCh38, 1-based): chr5:37,148,201, G>T on the plus strand (C>A on the coding strand, the complement: CPLANE1 is on the minus strand). VCF-style: chr5-37148201-G-T. GRCh37 (hg19) VCF-style: chr5-37148303-G-T.
Other names: c.8279C>A, p.Thr2760Asn (NM_023073.4); short protein forms T2760N, T2814N.
Identifiers: ClinVar variation 573302 (VCV000573302.10), dbSNP rs752852852, ClinGen allele CA3237788.